The following is an entry in ClinVar:

ClinVar aggregate classification (germline): Uncertain significance. Review status: criteria provided, multiple submitters, no conflicts (2 of 4 stars). 3 submissions from 3 submitters: Uncertain significance (3). Last evaluated 2026-03-01.

Conditions:
Cardiovascular phenotype. Identifiers: MedGen CN230736.
ZNF469-related disorder. Also called: ZNF469-related condition.

Allele frequency attached by ClinVar (database versions not stated): gnomAD exomes below 0.00001; gnomAD 0.00001; TOPMed 0.00001.
gnomAD v4.1: 2 of 1,548,814 alleles (0.00013%); highest among the groups gnomAD compares: Non-Finnish European, 0.00017%; no homozygotes.

Submissions (3):

PreventionGenetics, part of Exact Sciences
Classification: Uncertain significance for ZNF469-related condition. Last evaluated: 2026-03-01. Review status: criteria provided, single submitter. Criteria: ACMG Guidelines, 2015. Collection method: clinical testing. Allele origin: germline.
Comment: The ZNF469 c.4816A>G variant is predicted to result in the amino acid substitution p.Thr1606Ala. To our knowledge, this variant has not been reported in the literature or in a large population database (gnomAD), indicating this variant is rare. At this time, the clinical significance of this variant is uncertain due to the absence of conclusive functional and genetic evidence.

Women's Health and Genetics/Laboratory Corporation of America, LabCorp
Classification: Uncertain significance. Last evaluated: 2026-01-16. Review status: criteria provided, single submitter. Criteria: LabCorp Variant Classification Summary - May 2015. Collection method: clinical testing. Allele origin: germline.
Comment: Variant summary: ZNF469 c.4900A>G (p.Thr1634Ala) results in a non-conservative amino acid change in the encoded protein sequence. Algorithms developed to predict the effect of missense changes on protein structure and function are either unavailable or do not agree on the potential impact of this missense change. The variant was absent in 150646 control chromosomes. The available data on variant occurrences in the general population are insufficient to allow any conclusion about variant significance. To our knowledge, no occurrence of c.4900A>G in individuals affected with ZNF469-related conditions and no experimental evidence demonstrating its impact on protein function have been reported. ClinVar contains an entry for this variant (Variation ID: 2564232). Based on the evidence outlined above, the variant was classified as uncertain significance.

Ambry Genetics
Classification: Uncertain significance for Cardiovascular phenotype. Last evaluated: 2023-04-22. Review status: criteria provided, single submitter. Criteria: Ambry Variant Classification Scheme 2023. Collection method: clinical testing. Allele origin: germline.
Comment: The p.T1606A variant (also known as c.4816A>G), located in coding exon 2 of the ZNF469 gene, results from an A to G substitution at nucleotide position 4816. The threonine at codon 1606 is replaced by alanine, an amino acid with similar properties. This amino acid position is conserved. In addition, this alteration is predicted to be tolerated by in silico analysis. Since supporting evidence is limited at this time, the clinical significance of this alteration remains unclear.

NM_001367624.2(ZNF469):c.4900A>G (p.Thr1634Ala)

Gene: ZNF469 (zinc finger protein 469; plus strand). Cytogenetic location: 16q24.2.
Variant type: single nucleotide variant.
Coding change: c.4900A>G on transcript NM_001367624.2 (MANE Select); coding-DNA position 4900, A replaced by G.
Protein change: p.Thr1634Ala; replaces threonine 1634 with alanine.
Molecular consequence: missense variant.
Genome position (GRCh38, 1-based): chr16:88,432,370, A>G. VCF-style: chr16-88432370-A-G. GRCh37 (hg19) VCF-style: chr16-88498778-A-G.
Other names: NM_001127464.1:c.4816A>G; NM_001127464.2:c.4816A>G; short protein forms T1634A.
Identifiers: ClinVar variation 2564232 (VCV002564232.4), dbSNP rs1331554496, ClinGen allele CA397094100.